The following is an entry in ClinVar:

NM_001002755.2(NFU1):c.-422G>A

Gene: NFU1 (NFU1 iron-sulfur cluster scaffold; minus strand). Cytogenetic location: 2p13.3.
Variant type: single nucleotide variant.
Coding change: c.-422G>A on transcript NM_001002755.2; 422 bases upstream of the start codon, G replaced by A.
Molecular consequence: intron variant (on NM_001374284.1).
Genome position (GRCh38, 1-based): chr2:69,437,844, C>T on the plus strand (G>A on the coding strand, the complement: NFU1 is on the minus strand). VCF-style: chr2-69437844-C-T. GRCh37 (hg19) VCF-style: chr2-69664976-C-T.
Other names: c.-11+209G>A (NM_001374284.1).
Identifiers: ClinVar variation 669521 (VCV000669521.3), dbSNP rs13416004, ClinGen allele CA11117607.

ClinVar aggregate classification (germline): Benign (1 of 4 stars; one submission).

Allele frequency attached by ClinVar (database versions not stated): TOPMed 0.37987; 1000 Genomes Project 0.32887; 1000 Genomes Project 30x 0.33198; gnomAD 0.38291 and 0.38479.
gnomAD v4.1: 58,344 of 151,992 alleles (38%); highest among the groups gnomAD compares: Middle Eastern, 43%; 11,570 homozygotes.

Submission:

GeneDx
Classification: Benign. Last evaluated: 2018-06-14. Review status: criteria provided, single submitter. Criteria: GeneDx Variant Classification (06012015). Collection method: clinical testing. Allele origin: germline. Affected: yes.
Comment: This variant is considered likely benign or benign based on one or more of the following criteria: it is a conservative change, it occurs at a poorly conserved position in the protein, it is predicted to be benign by multiple in silico algorithms, and/or has population frequency not consistent with disease.